The following is an entry in ClinVar:

NM_005257.6(GATA6):c.836C>G (p.Pro279Arg)

Gene: GATA6 (GATA binding protein 6; plus strand). Cytogenetic location: 18q11.2.
Variant type: single nucleotide variant.
Coding change: c.836C>G on transcript NM_005257.6 (MANE Select); coding-DNA position 836, C replaced by G.
Protein change: p.Pro279Arg; replaces proline 279 with arginine.
Molecular consequence: missense variant.
Genome position (GRCh38, 1-based): chr18:22,171,980, C>G. VCF-style: chr18-22171980-C-G. GRCh37 (hg19) VCF-style: chr18-19751941-C-G.
Other names: short protein forms P279R.
Identifiers: ClinVar variation 3358683 (VCV003358683.1).

ClinVar aggregate classification (germline): Uncertain significance (0 of 4 stars; one submission).

Conditions:
GATA6-related disorder. Also called: GATA6-related condition.

gnomAD v4.1: 2 of 1,219,280 alleles (0.00016%); highest among the groups gnomAD compares: African/African-American, 0.0016%; no homozygotes.

Submission:

PreventionGenetics, part of Exact Sciences
Classification: Uncertain significance for GATA6-related condition. Last evaluated: 2024-09-11. Review status: no assertion criteria provided. Collection method: clinical testing. Allele origin: germline.
Comment: The GATA6 c.836C>G variant is predicted to result in the amino acid substitution p.Pro279Arg. To our knowledge, this variant has not been reported in the literature. This variant is reported in 0.012% of alleles in individuals of African descent in gnomAD. At this time, the clinical significance of this variant is uncertain due to the absence of conclusive functional and genetic evidence.